The following is an entry in ClinVar:

ClinVar aggregate classification (germline): Likely benign (0 of 4 stars; one submission).

Conditions:
PLXNA1-related disorder. Also called: PLXNA1-related condition.

Allele frequency attached by ClinVar (database versions not stated): gnomAD 0.00001; gnomAD exomes 0.00002; ExAC 0.00006.

Submission:

PreventionGenetics, part of Exact Sciences
Classification: Likely benign for PLXNA1-related condition. Last evaluated: 2021-06-24. Review status: no assertion criteria provided. Collection method: clinical testing. Allele origin: germline.
Comment: This variant is classified as likely benign based on ACMG/AMP sequence variant interpretation guidelines (Richards et al. 2015 PMID: 25741868, with internal and published modifications).

NM_032242.4(PLXNA1):c.*7G>T

Gene: PLXNA1 (plexin A1; plus strand). Cytogenetic location: 3q21.3.
Variant type: single nucleotide variant.
Coding change: c.*7G>T on transcript NM_032242.4 (MANE Select); 7 bases downstream of the stop codon, G replaced by T.
Molecular consequence: 3 prime UTR variant.
Genome position (GRCh38, 1-based): chr3:127,034,024, G>T. VCF-style: chr3-127034024-G-T. GRCh37 (hg19) VCF-style: chr3-126752867-G-T.
Identifiers: ClinVar variation 3031983 (VCV003031983.2), dbSNP rs759738456, ClinGen allele CA2594757.
Genomic context (GRCh38, chr3:127,034,024, plus strand): 5'-CGGCTGCGGAGCAAGCTGGAGCAGGTGGTGGACACGATGGCCCTGAGCAGCTGAGCCCCA[G>T]CTGTGATCATCCAGCATGATGCAGCGTGAGGACAGCTGAGCAGGGACCGGGACAGCCCTC-3'